The following continues an entry in ClinVar:

NM_000059.4(BRCA2):c.1744A>C (p.Thr582Pro)

Gene: BRCA2. ClinVar aggregate classification (germline): Benign. Benign (1).

Submissions 19 to 20 of 20:

Center for Precision Medicine, Meizhou People's Hospital
Classification: Likely benign for Familial cancer of breast. Review status: no assertion criteria provided. Collection method: literature only. Allele origin: germline. Affected: yes. Not counted in ClinVar's aggregate classification.

Department of Pathology and Laboratory Medicine, Sinai Health System
Classification: Benign for Malignant tumor of breast. Review status: no assertion criteria provided. Collection method: clinical testing. Allele origin: unknown. Affected: yes. Study: The Canadian Open Genetics Repository (COGR). Not counted in ClinVar's aggregate classification.
Comment: The BRCA2 p.Thr582Pro variant has been identified in 6 out of 1488 proband chromosomes (frequency 0.004) in Korean, Asian American, and North American individuals or families with breast and pancreatic cancers ( Couch 2007, Haffty 2009, Choi 2004, Kurian 2008). In a study elucidating the function of BRCA2 in whole chromosomal instability seen in BRCA2-deficient tumors, the variant disrupted interactions with associated partners involved in maintaining chromosomal stability but has no effect on BRCA2-dependent homologous recombination repair of DNA damage (Mondal 2012). The variant was identified in dbSNP (ID: rs80358457) â€šÃ„ÃºWith uncertain significance, untested alleleâ€šÃ„Ã¹, in the 1000 Genomes Project in 2 of 5000 chromosomes (frequency: 0.0004), and in the Exome Aggregation Consortium (ExAC) database (released Jan 13, 2015) in 27 of 120326 chromosomes (frequency: 0.0002) (or 27 individuals from a population of East Asians, and none from European (Non-Finnish), Other, African, Latino, South Asian, or European (Finnish) individuals); and was identified by our laboratory in 3 individuals with breast cancer. The variant was also identified in the Clinvitae database (2X, classifications benign and conflicting interpretations), Fanconi Anemia Mutation Database (LOVD), ARUP Laboratories BRCA Mutations Database (classified as not pathogenic/of no clinical significance), the ClinVar database (reviewed by an expert panel and classified as benign; specifically, classified as benign by ENIGMA, Ambry Genetics and Sharing Clinical Reports Project (SCRP) (derived from Myriad reports), classified as uncertain significance by BIC, and unclassified by Invitae), GeneInsight COGR database (unclassified by a clinical laboratory), the BIC database (7X with unknown clinical importance, classification pending), and UMD (unavailable). The p.Thr582 residue is not conserved in mammals and computational analyses (PolyPhen-2, SIFT, AlignGVGD, BLOSUM, MutationTaster) provide inconsistent predictions regarding the impact to the protein; this information is not very predictive of pathogenicity. Other variants were also reported impacting the same site including c.1744A>G, p.Thr582Ala (BIC reported 3 times with unknown clinical significance) and c.1744A>T, p.Thr582Ser (Myriad reported as a polymorphism - personal communication). In summary, based on the above information, this variant meets our laboratory's criteria to be classified as benign.

Literature cited by the submitters: PubMed 21990134 (cited by 4 submitters); PubMed 17924331 (cited by 3 submitters); PubMed 12624724 (cited by 4 submitters); PubMed 24323938 (cited by Quest Diagnostics Nichols Institute San Juan Capistrano and Center for Precision Medicine, Meizhou People's Hospital); PubMed 26332594 (cited by Quest Diagnostics Nichols Institute San Juan Capistrano); PubMed 15168169 (cited by Quest Diagnostics Nichols Institute San Juan Capistrano and Women's Health and Genetics/Laboratory Corporation of America, LabCorp); PubMed 32426482 (cited by Quest Diagnostics Nichols Institute San Juan Capistrano); PubMed 35918668 (cited by Quest Diagnostics Nichols Institute San Juan Capistrano); PubMed 33471991 (cited by Quest Diagnostics Nichols Institute San Juan Capistrano); PubMed 22771033 (cited by Quest Diagnostics Nichols Institute San Juan Capistrano and Women's Health and Genetics/Laboratory Corporation of America, LabCorp); PubMed 30287823 (cited by Quest Diagnostics Nichols Institute San Juan Capistrano); PubMed 15117986 (cited by Quest Diagnostics Nichols Institute San Juan Capistrano and Women's Health and Genetics/Laboratory Corporation of America, LabCorp); PubMed 26566862 (cited by Quest Diagnostics Nichols Institute San Juan Capistrano); PubMed 17301269 (cited by Quest Diagnostics Nichols Institute San Juan Capistrano and Women's Health and Genetics/Laboratory Corporation of America, LabCorp); PubMed 28111427 (cited by Quest Diagnostics Nichols Institute San Juan Capistrano); PubMed 27658390 (cited by Quest Diagnostics Nichols Institute San Juan Capistrano); PubMed 29202657 (cited by Quest Diagnostics Nichols Institute San Juan Capistrano); PubMed 19491284 (cited by Quest Diagnostics Nichols Institute San Juan Capistrano and Women's Health and Genetics/Laboratory Corporation of America, LabCorp); PubMed 28782087 (cited by Quest Diagnostics Nichols Institute San Juan Capistrano); PubMed 30415210 (cited by Quest Diagnostics Nichols Institute San Juan Capistrano); PubMed 10453741 (cited by Women's Health and Genetics/Laboratory Corporation of America, LabCorp); PubMed 23555315 (cited by Women's Health and Genetics/Laboratory Corporation of America, LabCorp); PubMed 18779604 (cited by Women's Health and Genetics/Laboratory Corporation of America, LabCorp); PubMed 25348012 (cited by Women's Health and Genetics/Laboratory Corporation of America, LabCorp).